The following is an entry in ClinVar:

ClinVar aggregate classification (germline): Uncertain significance. Review status: criteria provided, multiple submitters, no conflicts (2 of 4 stars). 2 submissions from 2 submitters: Uncertain significance (2). Last evaluated 2025-12-17.

Conditions:
Birt-Hogg-Dube syndrome. Also called: Birt Hogg Dubé syndrome. Identifiers: Orphanet 122, MedGen C0346010, MONDO:0800444.
Hereditary cancer-predisposing syndrome. Also called: Tumor predisposition; Neoplastic Syndromes, Hereditary; Hereditary Cancer Syndrome; Hereditary neoplastic syndrome. Identifiers: Orphanet 140162, MedGen C0027672, MeSH D009386, MONDO:0015356.

gnomAD v4.1: 1 of 1,613,812 alleles (0.000062%); highest among the groups gnomAD compares: Non-Finnish European, 0.000085%; no homozygotes.

Submissions (2):

Ambry Genetics
Classification: Uncertain significance for Hereditary cancer-predisposing syndrome. Last evaluated: 2025-12-17. Review status: criteria provided, single submitter. Criteria: Ambry Variant Classification Scheme 2023. Collection method: clinical testing. Allele origin: germline.
Comment: The p.I173M variant (also known as c.519C>G), located in coding exon 3 of the FLCN gene, results from a C to G substitution at nucleotide position 519. The isoleucine at codon 173 is replaced by methionine, an amino acid with highly similar properties. This amino acid position is conserved. In addition, the in silico prediction for this alteration is inconclusive. Based on the available evidence, the clinical significance of this variant remains unclear.

Labcorp Genetics (formerly Invitae), Labcorp
Classification: Uncertain significance for Birt-Hogg-Dube syndrome. Last evaluated: 2025-05-04. Review status: criteria provided, single submitter. Criteria: Invitae Variant Classification Sherloc (09022015). Collection method: clinical testing. Allele origin: germline.
Comment: This sequence change replaces isoleucine, which is neutral and non-polar, with methionine, which is neutral and non-polar, at codon 173 of the FLCN protein (p.Ile173Met). This variant is not present in population databases (gnomAD no frequency). This variant has not been reported in the literature in individuals affected with FLCN-related conditions. ClinVar contains an entry for this variant (Variation ID: 2783097). Invitae Evidence Modeling of protein sequence and biophysical properties (such as structural, functional, and spatial information, amino acid conservation, physicochemical variation, residue mobility, and thermodynamic stability) indicates that this missense variant is not expected to disrupt FLCN protein function with a negative predictive value of 80%. In summary, the available evidence is currently insufficient to determine the role of this variant in disease. Therefore, it has been classified as a Variant of Uncertain Significance.

NM_144997.7(FLCN):c.519C>G (p.Ile173Met)

Gene: FLCN (folliculin; minus strand). Cytogenetic location: 17p11.2.
Variant type: single nucleotide variant.
Coding change: c.519C>G on transcript NM_144997.7 (MANE Select); coding-DNA position 519, C replaced by G.
Protein change: p.Ile173Met; replaces isoleucine 173 with methionine.
Molecular consequence: missense variant.
Genome position (GRCh38, 1-based): chr17:17,224,021, G>C on the plus strand (C>G on the coding strand, the complement: FLCN is on the minus strand). VCF-style: chr17-17224021-G-C. GRCh37 (hg19) VCF-style: chr17-17127335-G-C.
Other names: c.573C>G, p.Ile191Met (NM_001353229.2); c.519C>G, p.Ile173Met (NM_001353230.2, NM_001353231.2, NM_144606.7); short protein forms I173M, I191M.
Identifiers: ClinVar variation 2783097 (VCV002783097.4), dbSNP rs2144976597, ClinGen allele CA398534376.